The following is an entry in ClinVar:

NM_000229.2(LCAT):c.943T>C (p.Trp315Arg)

Gene: LCAT (lecithin-cholesterol acyltransferase; minus strand). Cytogenetic location: 16q22.1.
Variant type: single nucleotide variant.
Coding change: c.943T>C on transcript NM_000229.2 (MANE Select); coding-DNA position 943, T replaced by C.
Protein change: p.Trp315Arg; replaces tryptophan 315 with arginine.
Molecular consequence: missense variant.
Genome position (GRCh38, 1-based): chr16:67,940,284, A>G on the plus strand (T>C on the coding strand, the complement: LCAT is on the minus strand). VCF-style: chr16-67940284-A-G. GRCh37 (hg19) VCF-style: chr16-67974187-A-G.
Other names: short protein forms W315R.
Identifiers: ClinVar variation 3066091 (VCV003066091.1), dbSNP rs2544402987, ClinGen allele CA396376011.
Genomic context (GRCh38, chr16:67,940,284, plus strand): 5'-CTTCCACACCAGGTGCTGGGAGTCCTGCCAGGAGGTCACGTGACTGCAGCCACATGTACC[A>G]GCCTTCCTCAAAGTGCAGGTCTGCAAAGAAGCGTTGGAAGTCACGGCCTGTGTAGTTGAA-3'
Protein context (NP_000220.1, residues 305-325): FFADLHFEEG[Trp315Arg]YMWLQSRDLL

ClinVar aggregate classification (germline): Uncertain significance (1 of 4 stars; one submission).

Conditions:
Norum disease. Also called: Familial lecithin cholesterol acyltransferase deficiency. Identifiers: Orphanet 79293, MedGen C0023195, MONDO:0009515, OMIM 245900.

Allele frequency attached by ClinVar (database versions not stated): gnomAD exomes below 0.00001.

Submission:

MVZ Medizinische Genetik Mainz
Classification: Uncertain significance for Norum disease. Last evaluated: 2023-06-22. Review status: criteria provided, single submitter. Criteria: UK Practice Guidelines For Variant Classification V4 01 2020. Collection method: clinical testing. Allele origin: germline. Inheritance: Autosomal recessive inheritance. Affected: yes. Observed: 1 variant allele.
Comment: ACMG Criteria: PM2_SUP, PP3_mod